The following is an entry in ClinVar:

ClinVar aggregate classification (germline): Pathogenic (1 of 4 stars; one submission).

Submission:

Labcorp Genetics (formerly Invitae), Labcorp
Classification: Pathogenic. Last evaluated: 2024-02-23. Review status: criteria provided, single submitter. Criteria: Invitae Variant Classification Sherloc (09022015). Collection method: clinical testing. Allele origin: germline.
Comment: This sequence change creates a premature translational stop signal (p.Thr505Asnfs*11) in the TET2 gene. It is expected to result in an absent or disrupted protein product. Loss-of-function variants in TET2 are known to be pathogenic (PMID: 36066697). This variant is not present in population databases (gnomAD no frequency). This variant has not been reported in the literature in individuals affected with TET2-related conditions. ClinVar contains an entry for this variant (Variation ID: 2027208). For these reasons, this variant has been classified as Pathogenic.

Literature cited by the submitters: PubMed 36066697.

NM_001127208.3(TET2):c.1513dup (p.Thr505fs)

Genes: TET2 (tet methylcytosine dioxygenase 2; plus strand), TET2-AS1 (TET2 antisense RNA 1; minus strand). Cytogenetic location: 4q24.
Variant type: Duplication.
Coding change: c.1513dup on transcript NM_001127208.3 (MANE Select); coding-DNA position 1513, one base duplicated (A; older notation c.1513dupA).
Protein change: p.Thr505fs; shifts the reading frame from threonine 505.
Molecular consequence: frameshift variant.
Genome position (GRCh38, 1-based): chr4:105,235,455, A duplicated; the last of 4 consecutive A bases (chr4:105,235,452-105,235,455); duplicating any one gives the same sequence. VCF-style (leftmost placement, unchanged base first): chr4-105235451-G-GA. GRCh37 (hg19) VCF-style: chr4-106156608-G-GA.
Other names: c.1513dup, p.Thr505fs (NM_017628.4); short protein forms T505fs.
Identifiers: ClinVar variation 2027208 (VCV002027208.4), dbSNP rs2476490501, ClinGen allele CA2580071299.
Genomic context (GRCh38, chr4:105,235,451, plus strand): 5'-TTGTGTGAACAGGAATGACATACAGACTGCAGGGACAATGACTGTTCCATTGTGTTCTGA[G>GA]AAAACAAGACCAATGTCAGAACACCTCAAGCATAACCCACCAATTTTTGGTAGCAGTGGA-3'